The following is an entry in ClinVar:

ClinVar aggregate classification (germline): Uncertain significance (1 of 4 stars; one submission).

Conditions:
Muscular dystrophy-dystroglycanopathy (limb-girdle), type C, 8. Also called: MUSCULAR DYSTROPHY, LIMB-GIRDLE, AUTOSOMAL RECESSIVE 24; MUSCULAR DYSTROPHY-DYSTROGLYCANOPATHY, LIMB-GIRDLE, POMGNT2-RELATED. Identifiers: MedGen C4748320, MONDO:0029135, OMIM 618135.

Submission:

Foundation for Research in Genetics and Endocrinology, FRIGE's Institute of Human Genetics
Classification: Uncertain significance for Muscular dystrophy-dystroglycanopathy (limb-girdle), type C, 8. Last evaluated: 2023-03-04. Review status: criteria provided, single submitter. Criteria: ACMG Guidelines, 2015. Collection method: clinical testing. Allele origin: germline. Inheritance: Autosomal recessive inheritance. Affected: yes. Observed: 1 homozygote.
Comment: A homozygous missense variation in exon 2 of the POMGNT2 gene that results in the amino acid substitution of Tryptophan for Cysteine at codon 85 (p.Cys85Trp) was detected. The p.Cys85Trp variant has not been reported in the 1000 genomes and gnomAD databases. The in-silico predictions of the variant are probably damaging by PolyPhen-2 (HumDiv) and damaging by SIFT, LRT and MutationTaster2. The reference codon is conserved across species.

NM_032806.6(POMGNT2):c.255C>G (p.Cys85Trp)

Gene: POMGNT2 (protein O-linked mannose N-acetylglucosaminyltransferase 2 (beta 1,4-); minus strand). Cytogenetic location: 3p22.1.
Variant type: single nucleotide variant.
Coding change: c.255C>G on transcript NM_032806.6 (MANE Select); coding-DNA position 255, C replaced by G.
Protein change: p.Cys85Trp; replaces cysteine 85 with tryptophan.
Molecular consequence: missense variant.
Genome position (GRCh38, 1-based): chr3:43,081,177, G>C on the plus strand (C>G on the coding strand, the complement: POMGNT2 is on the minus strand). VCF-style: chr3-43081177-G-C. GRCh37 (hg19) VCF-style: chr3-43122669-G-C.
Other names: p.Cys85Trp; short protein forms C85W.
Identifiers: ClinVar variation 2444502 (VCV002444502.2), dbSNP rs2528900695, ClinGen allele CA352303619.
Genomic context (GRCh38, chr3:43,081,177, plus strand): 5'-GGGCAGCATGACAGAGGTGTTGCCATGGAAGAAGATGAACTCCTCAGCCTCGTTGGAGTA[G>C]CAGAGCCACTTGAAGCGGCAGATGCGGTCTGTGTGCGTGCGGCCCGTGCACACCATGTGT-3'
Protein context (NP_116195.2, residues 75-95): TDRICRFKWL[Cys85Trp]YSNEAEEFIF